The following is an entry in ClinVar:

NM_000051.4(ATM):c.6326G>A (p.Trp2109Ter)

Genes: ATM (ATM serine/threonine kinase; plus strand), C11orf65 (chromosome 11 open reading frame 65; minus strand). Cytogenetic location: 11q22.3.
Variant type: single nucleotide variant.
Coding change: c.6326G>A on transcript NM_000051.4 (MANE Select); coding-DNA position 6326, G replaced by A.
Protein change: p.Trp2109Ter; replaces tryptophan 2109 with a stop codon.
Molecular consequence: nonsense. On other transcripts: intron variant (2).
Genome position (GRCh38, 1-based): chr11:108,317,500, G>A. VCF-style: chr11-108317500-G-A. GRCh37 (hg19) VCF-style: chr11-108188227-G-A.
Other names: c.6326G>A, p.Trp2109Ter (NM_001351834.2); c.641-8429C>T (NM_001330368.2); c.*39-8429C>T (NM_001351110.2); short protein forms W2109*.
Identifiers: ClinVar variation 141921 (VCV000141921.16), dbSNP rs587782114, ClinGen allele CA166794.

ClinVar aggregate classification (germline): Pathogenic. Review status: criteria provided, multiple submitters, no conflicts (2 of 4 stars). 6 submissions from 6 submitters: Pathogenic (6). Last evaluated 2025-12-04.

Conditions:
Hereditary cancer-predisposing syndrome. Also called: Neoplastic Syndromes, Hereditary; Hereditary Cancer Syndrome; Tumor predisposition; Hereditary neoplastic syndrome. Identifiers: Orphanet 140162, MedGen C0027672, MeSH D009386, MONDO:0015356.
Familial cancer of breast. Also called: BREAST CANCER, FAMILIAL; hereditary breast carcinoma; Hereditary breast cancer. Identifiers: Orphanet 227535, MedGen C0346153, MONDO:0016419, OMIM 114480. Disease mechanism: loss of function.
Ataxia-telangiectasia syndrome (AT). Also called: Ataxia-telangiectasia, complementation group D; AT, COMPLEMENTATION GROUP C; Ataxia-telangiectasia; ATAXIA-TELANGIECTASIA, COMPLEMENTATION GROUP A; ATAXIA-TELANGIECTASIA, FRESNO VARIANT; Ataxia-telangiectasia, complementation group E. Identifiers: Orphanet 100, MedGen C0004135, MONDO:0008840, OMIM 208900.

Submissions (6):

Ambry Genetics
Classification: Pathogenic for Hereditary cancer-predisposing syndrome. Last evaluated: 2025-12-04. Review status: criteria provided, single submitter. Criteria: Ambry Variant Classification Scheme 2023. Collection method: clinical testing. Allele origin: germline.
Comment: The p.W2109* pathogenic mutation (also known as c.6326G>A) located in coding exon 42 of the ATM gene, results from a G to A substitution at nucleotide position 6326. This changes the amino acid from a tryptophan to a stop codon within coding exon 42. This mutation was detected in an ataxia-telangiectasia (A-T) patient, who was later found to carry a pathogenic deep intronic mutation in trans (Cavalieri S et al. Ann. Hum. Genet. 2008 Jan;72:10-8; Cavalieri S et al. Eur. J. Hum. Genet. 2013 Jul;21:774-8). This variant is considered to be rare based on population cohorts in the Genome Aggregation Database (gnomAD). In addition to the clinical data presented in the literature, this alteration is expected to result in loss of function by premature protein truncation or nonsense-mediated mRNA decay. As such, this alteration is interpreted as a disease-causing mutation.

Labcorp Genetics (formerly Invitae), Labcorp
Classification: Pathogenic for Ataxia-telangiectasia syndrome. Last evaluated: 2025-08-20. Review status: criteria provided, single submitter. Criteria: Invitae Variant Classification Sherloc (09022015). Collection method: clinical testing. Allele origin: germline.
Comment: This sequence change creates a premature translational stop signal (p.Trp2109*) in the ATM gene. It is expected to result in an absent or disrupted protein product. Loss-of-function variants in ATM are known to be pathogenic (PMID: 23807571, 25614872). This variant is not present in population databases (gnomAD no frequency). This premature translational stop signal has been observed in individual(s) with breast cancer and clinical features of ataxia-telangiectasia (PMID: 17910737, 30303537). ClinVar contains an entry for this variant (Variation ID: 141921). For these reasons, this variant has been classified as Pathogenic.

Myriad Genetics, Inc.
Classification: Pathogenic for Familial cancer of breast. Last evaluated: 2024-01-29. Review status: criteria provided, single submitter. Criteria: Myriad Autosomal Dominant, Autosomal Recessive and X-Linked Classification Criteria (2023). Collection method: clinical testing. Allele origin: unknown.
Comment: This variant is considered pathogenic. This variant creates a termination codon and is predicted to result in premature protein truncation.

Baylor Genetics
Classification: Pathogenic for Familial cancer of breast. Last evaluated: 2023-01-17. Review status: criteria provided, single submitter. Criteria: ACMG Guidelines, 2015. Collection method: clinical testing. Allele origin: unknown.

Fulgent Genetics
Classification: Pathogenic for Familial cancer of breast; Ataxia-telangiectasia syndrome. Last evaluated: 2022-04-30. Review status: criteria provided, single submitter. Criteria: ACMG Guidelines, 2015. Collection method: clinical testing. Allele origin: unknown.

GeneDx
Classification: Pathogenic. Last evaluated: 2017-10-03. Review status: criteria provided, single submitter. Criteria: GeneDx Variant Classification (06012015). Collection method: clinical testing. Allele origin: germline. Affected: yes.
Comment: This variant is denoted ATM c.6326G>A at the cDNA level and p.Trp2109Ter (W2109X) at the proteinlevel. The substitution creates a nonsense variant, which changes a Tryptophan to a premature stop codon(TGG>TAG), and is predicted to cause loss of normal protein function through either protein truncation or nonsense-mediated mRNA decay. This variant has been observed in an individual with Ataxia-Telangiectasia and found to be intrans with an ATM variant that reportedly impacts splicing (Cavalieri 2008, Porcedda 2008, Cavalieri 2013). Based oncurrently available evidence, we consider ATM Trp2109Ter to be a pathogenic variant

Literature cited by the submitters: PubMed 17910737 (cited by Ambry Genetics and Labcorp Genetics (formerly Invitae), Labcorp); PubMed 23211698 (cited by Ambry Genetics); PubMed 24506781 (cited by Ambry Genetics); PubMed 25525159 (cited by Ambry Genetics); PubMed 23807571 (cited by Labcorp Genetics (formerly Invitae), Labcorp); PubMed 25614872 (cited by Labcorp Genetics (formerly Invitae), Labcorp); PubMed 30303537 (cited by Labcorp Genetics (formerly Invitae), Labcorp).